The following is an entry in ClinVar:

ClinVar aggregate classification (germline): Pathogenic (1 of 4 stars; one submission).

Conditions:
Holocarboxylase synthetase deficiency. Also called: MULTIPLE CARBOXYLASE DEFICIENCY, EARLY ONSET. Identifiers: Orphanet 79242, MedGen C0268581, MONDO:0009666, OMIM 253270.

Submission:

Labcorp Genetics (formerly Invitae), Labcorp
Classification: Pathogenic for Holocarboxylase synthetase deficiency. Last evaluated: 2023-05-13. Review status: criteria provided, single submitter. Criteria: Invitae Variant Classification Sherloc (09022015). Collection method: clinical testing. Allele origin: germline.
Comment: This variant is not present in population databases (gnomAD no frequency). This sequence change creates a premature translational stop signal (p.Phe540Trpfs*7) in the HLCS gene. It is expected to result in an absent or disrupted protein product. Loss-of-function variants in HLCS are known to be pathogenic (PMID: 16134170). This variant has not been reported in the literature in individuals affected with HLCS-related conditions. For these reasons, this variant has been classified as Pathogenic.

Literature cited by the submitters: PubMed 16134170.

NM_001352514.2(HLCS):c.2060_2081del (p.Phe687fs)

Gene: HLCS (holocarboxylase synthetase; minus strand). Cytogenetic location: 21q22.13.
Variant type: Deletion.
Coding change: c.2060_2081del on transcript NM_001352514.2 (MANE Select); coding-DNA positions 2060 to 2081, 22 bases deleted (TTGTCCAGCATCTGATGTCCGT).
Protein change: p.Phe687fs; shifts the reading frame from phenylalanine 687.
Molecular consequence: frameshift variant. On other transcripts: non-coding transcript variant (2).
Genome position (GRCh38, 1-based): chr21:36,765,052-36,765,073, ACGGACATCAGATGCTGGACAA deleted on the plus strand (TTGTCCAGCATCTGATGTCCGT on the coding strand, the reverse complement: HLCS is on the minus strand); deleting any 22 consecutive bases within chr21:36,765,052-36,765,077 gives the same sequence; the c. name uses the placement nearest the transcript's 3' end. VCF-style (leftmost placement, unchanged base first): chr21-36765051-CACGGACATCAGATGCTGGACAA-C. GRCh37 (hg19) VCF-style: chr21-38137352-CACGGACATCAGATGCTGGACAA-C.
Other names: c.1619_1640del, p.Phe540fs (NM_000411.8, NM_001242784.3, NM_001242785.2 and 4 more transcripts); short protein forms F540fs, F687fs.
Identifiers: ClinVar variation 2863977 (VCV002863977.3), dbSNP rs2089984034, ClinGen allele CA2388160313.
Genomic context (GRCh38, chr21:36,765,051, plus strand): 5'-AGGAGACTGAACTGTACCTACCTGATACTCGGGAATGGACCTCACTGCTTCCACGACAGC[CACGGACATCAGATGCTGGACAA>C]ACGGGATCCTCTGTCCCAGCTGGGATCTCAGTGGAATGGAGATGAGCAGAGTAGAAAGAG-3'